The following is an entry in ClinVar:

NM_001754.5(RUNX1):c.805+6T>G

Gene: RUNX1 (RUNX family transcription factor 1; minus strand). Cytogenetic location: 21q22.12.
Variant type: single nucleotide variant.
Coding change: c.805+6T>G on transcript NM_001754.5 (MANE Select); 6 bases into the intron after coding-DNA position 805, T replaced by G.
Molecular consequence: intron variant.
Genome position (GRCh38, 1-based): chr21:34,834,404, A>C on the plus strand (T>G on the coding strand, the complement: RUNX1 is on the minus strand). VCF-style: chr21-34834404-A-C. GRCh37 (hg19) VCF-style: chr21-36206701-A-C.
Other names: c.724+6T>G (NM_001001890.3, NM_001122607.2).
Identifiers: ClinVar variation 4843714 (VCV004843714.1).

ClinVar aggregate classification (germline): Likely pathogenic (1 of 4 stars; one submission).

Conditions:
Inborn genetic diseases. Identifiers: MedGen C0950123, MeSH D030342.

Submission:

Ambry Genetics
Classification: Likely pathogenic for Inborn genetic diseases. Last evaluated: 2026-01-20. Review status: criteria provided, single submitter. Criteria: Ambry Variant Classification Scheme 2023. Collection method: clinical testing. Allele origin: germline.
Comment: The c.805+6T>G intronic variant results from a T to G substitution 6 nucleotides after coding exon 6 in the RUNX1 gene. This nucleotide position is highly conserved in available vertebrate species. In silico splice site analysis predicts that this alteration may weaken the native splice donor site. RNA studies have demonstrated that this variant results in abnormal splicing in the set of samples tested (Ambry internal data). Based on the majority of available evidence to date, this variant is likely to be pathogenic.